The following is an entry in ClinVar:

ClinVar aggregate classification (germline): Pathogenic (1 of 4 stars; one submission).

Conditions:
Recessive dystrophic epidermolysis bullosa (RDEB). Also called: DYSTROPHIC EPIDERMOLYSIS BULLOSA, AUTOSOMAL RECESSIVE; EPIDERMOLYSIS BULLOSA DYSTROPHICA, HALLOPEAU-SIEMENS TYPE; Hallopeau-Siemens Disease; severe generalized recessive dystrophic epidermolysis bullosa; EPIDERMOLYSIS BULLOSA DYSTROPHICA, GENERALIZED SEVERE, AUTOSOMAL RECESSIVE; Epidermolysis Bullosa Distrophica Autosomal Recessive (RDEB). Identifiers: Orphanet 79408, Orphanet 79409, MedGen C0079474, MONDO:0009179, OMIM 226600.

Submission:

Myriad Genetics, Inc.
Classification: Pathogenic for Recessive dystrophic epidermolysis bullosa. Last evaluated: 2025-05-05. Review status: criteria provided, single submitter. Criteria: Myriad Autosomal Dominant, Autosomal Recessive and X-Linked Classification Criteria (2023). Collection method: clinical testing. Allele origin: unknown.
Comment: NM_000094.3(COL7A1):c.5661dupG(P1888Afs*27) is expected to be pathogenic in the context of dystrophic epidermolysis bullosa. This variant is predicted to lead to an abnormal or absent protein product due to the creation of a premature termination codon in COL7A1, a gene where loss-of-function variants are known to be pathogenic. Please note: this variant was assessed in the context of healthy population screening.

NM_000094.4(COL7A1):c.5661dup (p.Pro1888fs)

Gene: COL7A1 (collagen type VII alpha 1 chain; minus strand). Cytogenetic location: 3p21.31.
Variant type: Duplication.
Coding change: c.5661dup on transcript NM_000094.4 (MANE Select); coding-DNA position 5661, one base duplicated (G; older notation c.5661dupG).
Protein change: p.Pro1888fs; shifts the reading frame from proline 1888.
Molecular consequence: frameshift variant.
Genome position (GRCh38, 1-based): chr3:48,576,715, C duplicated on the plus strand (G on the coding strand, the reverse complement: COL7A1 is on the minus strand); the first of 4 consecutive C bases (chr3:48,576,715-48,576,718); duplicating any one gives the same sequence. VCF-style (leftmost placement, unchanged base first): chr3-48576714-G-GC. GRCh37 (hg19) VCF-style: chr3-48614147-G-GC.
Other names: short protein forms P1888fs.
Identifiers: ClinVar variation 5014386 (VCV005014386.1).